The following is an entry in ClinVar:

NM_000143.4(FH):c.380T>C (p.Val127Ala)

Gene: FH (fumarate hydratase; minus strand). Cytogenetic location: 1q43.
Variant type: single nucleotide variant.
Coding change: c.380T>C on transcript NM_000143.4 (MANE Select); coding-DNA position 380, T replaced by C.
Protein change: p.Val127Ala; replaces valine 127 with alanine.
Molecular consequence: missense variant.
Genome position (GRCh38, 1-based): chr1:241,512,142, A>G on the plus strand (T>C on the coding strand, the complement: FH is on the minus strand). VCF-style: chr1-241512142-A-G. GRCh37 (hg19) VCF-style: chr1-241675442-A-G.
Other names: short protein forms V127A.
Identifiers: ClinVar variation 3515086 (VCV003515086.1).

ClinVar aggregate classification (germline): Uncertain significance (1 of 4 stars; one submission).

Conditions:
Hereditary cancer-predisposing syndrome. Also called: Tumor predisposition; Neoplastic Syndromes, Hereditary; Hereditary Cancer Syndrome; Hereditary neoplastic syndrome. Identifiers: Orphanet 140162, MedGen C0027672, MeSH D009386, MONDO:0015356.

Submission:

Ambry Genetics
Classification: Uncertain significance for Hereditary cancer-predisposing syndrome. Last evaluated: 2024-08-05. Review status: criteria provided, single submitter. Criteria: Ambry Variant Classification Scheme 2023. Collection method: clinical testing. Allele origin: germline.
Comment: The p.V127A variant (also known as c.380T>C), located in coding exon 4 of the FH gene, results from a T to C substitution at nucleotide position 380. The valine at codon 127 is replaced by alanine, an amino acid with similar properties. This amino acid position is highly conserved in available vertebrate species. In addition, this alteration is predicted to be deleterious by in silico analysis. Based on the available evidence, the clinical significance of this variant remains unclear.